The following is an entry in ClinVar:

ClinVar aggregate classification (germline): Uncertain significance (1 of 4 stars; one submission).

Conditions:
Cardiovascular phenotype. Identifiers: MedGen CN230736.

gnomAD v4.1: 1 of 1,550,564 alleles (0.000064%); highest among the groups gnomAD compares: Non-Finnish European, 0.000087%; no homozygotes.

Submission:

Ambry Genetics
Classification: Uncertain significance for Cardiovascular phenotype. Last evaluated: 2026-04-18. Review status: criteria provided, single submitter. Criteria: Ambry Variant Classification Scheme 2023. Collection method: clinical testing. Allele origin: germline.
Comment: The p.Q3869H variant (also known as c.11607G>C), located in coding exon 2 of the ZNF469 gene, results from a G to C substitution at nucleotide position 11607. The glutamine at codon 3869 is replaced by histidine, an amino acid with highly similar properties. This amino acid position is conserved. In addition, this alteration is predicted to be tolerated by in silico analysis. Based on the available evidence, the clinical significance of this variant remains unclear.

NM_001367624.2(ZNF469):c.11691G>C (p.Gln3897His)

Gene: ZNF469 (zinc finger protein 469; plus strand). Cytogenetic location: 16q24.2.
Variant type: single nucleotide variant.
Coding change: c.11691G>C on transcript NM_001367624.2 (MANE Select); coding-DNA position 11691, G replaced by C.
Protein change: p.Gln3897His; replaces glutamine 3897 with histidine.
Molecular consequence: missense variant.
Genome position (GRCh38, 1-based): chr16:88,439,161, G>C. VCF-style: chr16-88439161-G-C. GRCh37 (hg19) VCF-style: chr16-88505569-G-C.
Other names: NM_001127464.1:c.11607G>C; short protein forms Q3897H.
Identifiers: ClinVar variation 4866960 (VCV004866960.1).
Genomic context (GRCh38, chr16:88,439,161, plus strand): 5'-GCGGAAGGCAGAGCCGGGCCACACACAGAGGAAGGACAGACTGGGCAAGGCCTTCCCCCA[G>C]GGGAGACCCCTGCTCAGGCCCCCCAAGAGGGGCACAGCTGTCCACGGTGCTGAACCTGCC-3'
Protein context (NP_001354553.1, residues 3887-3907): RKDRLGKAFP[Gln3897His]GRPLLRPPKR